The following is an entry in ClinVar:

ClinVar aggregate classification (germline): Pathogenic (1 of 4 stars; one submission).

Conditions:
Hereditary cancer-predisposing syndrome. Also called: Hereditary Cancer Syndrome; Hereditary neoplastic syndrome; Tumor predisposition; Neoplastic Syndromes, Hereditary. Identifiers: Orphanet 140162, MedGen C0027672, MeSH D009386, MONDO:0015356.

Submission:

Ambry Genetics
Classification: Pathogenic for Hereditary cancer-predisposing syndrome. Last evaluated: 2020-10-22. Review status: criteria provided, single submitter. Criteria: Ambry Variant Classification Scheme 2023. Collection method: clinical testing. Allele origin: germline.
Comment: The c.233_264dup32 variant, located in coding exon 3 of the APC gene, results from a duplication of ATAGCAGTAATTTCCCTGGAGTAAAACTGCGG at nucleotide position 233, causing a translational frameshift with a predicted alternate stop codon (p.S89Ifs*8). This alteration is expected to result in loss of function by premature protein truncation or nonsense-mediated mRNA decay. As such, this alteration is interpreted as a disease-causing mutation.

NM_000038.6(APC):c.233_264dup (p.Ser89delinsIleAlaValIleSerLeuGluTer)

Gene: APC (APC regulator of Wnt signaling pathway; plus strand). Cytogenetic location: 5q22.2.
Variant type: Duplication.
Coding change: c.233_264dup on transcript NM_000038.6 (MANE Select); coding-DNA positions 233 to 264, 32 bases duplicated.
Protein change: p.Ser89delinsIleAlaValIleSerLeuGluTer.
Molecular consequence: nonsense. On other transcripts: 5 prime UTR variant (1), frameshift variant (17).
Genome position (GRCh38, 1-based): chr5:112,767,201-112,767,232, 32 bases duplicated; duplicating any 32 consecutive bases within chr5:112,767,200-112,767,232 gives the same sequence; the c. name uses the placement nearest the transcript's 3' end. GRCh37 (hg19): chr5:112,102,898-112,102,929.
Other names: c.233_264dup, p.Ser89delinsIleAlaValIleSerLeuGluTer (NM_001127510.3, NM_001354895.2, NM_001354896.2 and 2 more transcripts); c.263_294dup, p.Ser99delinsIleAlaValIleSerLeuGluTer (NM_001127511.3, NM_001354897.2, NM_001354902.2); c.158_189dup, p.Ser64delinsIleAlaValIleSerLeuGluTer (NM_001354898.2, NM_001354904.2); c.56_87dup, p.Ser30delinsIleAlaValIleSerLeuGluTer (NM_001354900.2, NM_001354901.2, NM_001354905.2); c.-803_-772dup (NM_001354906.2, NM_001407470.1, NM_001407471.1 and 1 more transcripts); c.263_294dup, p.Ser99Ilefs (NM_001407446.1); c.233_264dup, p.Ser89Ilefs (NM_001407447.1, NM_001407448.1, NM_001407449.1 and 11 more transcripts); c.158_189dup, p.Ser64Ilefs (NM_001407451.1); and 1 more.
Identifiers: ClinVar variation 1789714 (VCV001789714.2), dbSNP rs2532289956, ClinGen allele CA2580072289.
Genomic context (GRCh38, chr5:112,767,199, plus strand): 5'-AGACTGCTTAAAGCAATTGTTGTATAAAAACTTGTTTCTATTTTATTTAGAGCTTAACTT[A>AGATAGCAGTAATTTCCCTGGAGTAAAACTGCG]GATAGCAGTAATTTCCCTGGAGTAAAACTGCGGTCAAAAATGTCCCTCCGTTCTTATGGA-3'